The following is an entry in ClinVar:

NM_001673.5(ASNS):c.1288T>C (p.Leu430=)

Genes: ASNS (asparagine synthetase (glutamine-hydrolyzing); minus strand), CZ1P-ASNS (CZ1P-ASNS readthrough; minus strand). Cytogenetic location: 7q21.3.
Variant type: single nucleotide variant.
Coding change: c.1288T>C on transcript NM_001673.5 (MANE Select); coding-DNA position 1288, T replaced by C.
Protein change: p.Leu430=; no amino-acid change (leucine 430 retained).
Molecular consequence: synonymous variant. On other transcripts: non-coding transcript variant (1).
Genome position (GRCh38, 1-based): chr7:97,853,337, A>G on the plus strand (T>C on the coding strand, the complement: ASNS is on the minus strand). VCF-style: chr7-97853337-A-G. GRCh37 (hg19) VCF-style: chr7-97482649-A-G.
Other names: c.1225T>C, p.Leu409= (NM_001178075.2); c.1039T>C, p.Leu347= (NM_001178076.2, NM_001178077.1); c.1288T>C, p.Leu430= (NM_001352496.2, NM_133436.3, NM_183356.4).
Identifiers: ClinVar variation 3027102 (VCV003027102.22), dbSNP rs2484630372, ClinGen allele CA456634623.
Genomic context (GRCh38, chr7:97,853,337, plus strand): 5'-CAGTTTTACCTTGAGTTGATTTACCTACCTTTGGAATTCTCATTTCTGGTGGCAGAGACA[A>G]GTAATAGGAAGAAAATCGATGATCTAGAAATGGGACTCTCAGTTCAAGACTTAAAGGAGA-3'
Protein context (NP_001664.3, residues 420-440): FLDHRFSSYY[Leu430=]SLPPEMRIPK

ClinVar aggregate classification (germline): Likely benign (1 of 4 stars; one submission).

Submission:

CeGaT Center for Human Genetics Tuebingen
Classification: Likely benign. Last evaluated: 2024-02-01. Review status: criteria provided, single submitter. Criteria: CeGaT Center For Human Genetics Tuebingen Variant Classification Criteria Version 2. Collection method: clinical testing. Allele origin: germline. Affected: yes. Observed: 1 variant allele.
Comment: ASNS: PM2:Supporting, BP4, BP7